The following is an entry in ClinVar:

ClinVar aggregate classification (germline): Uncertain significance (1 of 4 stars; one submission).

Submission:

Women's Health and Genetics/Laboratory Corporation of America, LabCorp
Classification: Uncertain significance. Last evaluated: 2026-01-26. Review status: criteria provided, single submitter. Criteria: LabCorp Variant Classification Summary - May 2015. Collection method: clinical testing. Allele origin: germline.
Comment: Variant summary: APP c.1311G>C (p.Glu437Asp) results in a conservative amino acid change in the encoded protein sequence. Algorithms developed to predict the effect of missense changes on protein structure and function are either unavailable or do not agree on the potential impact of this missense change. The variant was absent in 251182 control chromosomes. The available data on variant occurrences in the general population are insufficient to allow any conclusion about variant significance. To our knowledge, no occurrence of c.1311G>C in individuals affected with APP-related conditions and no experimental evidence demonstrating its impact on protein function have been reported. No submitters have cited clinical-significance assessments for this variant to ClinVar. Based on the evidence outlined above, the variant was classified as uncertain significance.

NM_000484.4(APP):c.1311G>C (p.Glu437Asp)

Gene: APP (amyloid beta precursor protein; minus strand). Cytogenetic location: 21q21.3.
Variant type: single nucleotide variant.
Coding change: c.1311G>C on transcript NM_000484.4 (MANE Select); coding-DNA position 1311, G replaced by C.
Protein change: p.Glu437Asp; replaces glutamic acid 437 with aspartic acid.
Molecular consequence: missense variant.
Genome position (GRCh38, 1-based): chr21:25,975,217, C>G on the plus strand (G>C on the coding strand, the complement: APP is on the minus strand). VCF-style: chr21-25975217-C-G. GRCh37 (hg19) VCF-style: chr21-27347530-C-G.
Other names: c.1239G>C, p.Glu413Asp (NM_001136016.3); c.918G>C, p.Glu306Asp (NM_001136129.3); c.1143G>C, p.Glu381Asp (NM_001136130.3, NM_001385253.1); c.981G>C, p.Glu327Asp (NM_001136131.3); c.1311G>C, p.Glu437Asp (NM_001204301.2); c.1254G>C, p.Glu418Asp (NM_001204302.2, NM_201413.3); c.1086G>C, p.Glu362Asp (NM_001204303.2, NM_201414.3); short protein forms E306D, E327D, E362D, E381D, E413D, E418D, E437D.
Identifiers: ClinVar variation 4689716 (VCV004689716.1).